The following is an entry in ClinVar:

ClinVar aggregate classification (germline): Pathogenic (1 of 4 stars; one submission).

Submission:

Labcorp Genetics (formerly Invitae), Labcorp
Classification: Pathogenic. Last evaluated: 2019-09-10. Review status: criteria provided, single submitter. Criteria: Invitae Variant Classification Sherloc (09022015). Collection method: clinical testing. Allele origin: germline.
Comment: For these reasons, this variant has been classified as Pathogenic. Loss-of-function variants in CHM are known to be pathogenic (PMID: 9067750, 23811034). Algorithms developed to predict the effect of sequence changes on RNA splicing suggest that this variant may create or strengthen a splice site, but this prediction has not been confirmed by published transcriptional studies. This variant has not been reported in the literature in individuals with CHM-related conditions. This variant is not present in population databases (ExAC no frequency). This sequence change creates a premature translational stop signal (p.Ser561*) in the CHM gene. It is expected to result in an absent or disrupted protein product.

Literature cited by the submitters: PubMed 9067750; PubMed 23811034.

NM_000390.4(CHM):c.1680_1681insTAACAGACATATAAC (p.Ser561Ter)

Gene: CHM (CHM Rab escort protein; minus strand). Cytogenetic location: Xq21.2.
Variant type: Insertion.
Coding change: c.1680_1681insTAACAGACATATAAC on transcript NM_000390.4 (MANE Select); coding-DNA positions 1680 to 1681, TAACAGACATATAAC inserted.
Protein change: p.Ser561Ter; replaces serine 561 with a stop codon.
Molecular consequence: nonsense.
Genome position: GRCh38 VCF-style: chrX-85873141-T-TGTTATATGTCTGTTA. GRCh37 (hg19) VCF-style: chrX-85128146-T-TGTTATATGTCTGTTA.
Other names: c.1236_1237insTAACAGACATATAAC, p.Ser413Ter (NM_001320959.1, NM_001362517.1, NM_001362518.2 and 1 more transcripts); short protein forms S413*, S561*.
Identifiers: ClinVar variation 942262 (VCV000942262.7), dbSNP rs1924190333, ClinGen allele CA1139667701.